The following is an entry in ClinVar:

ClinVar aggregate classification (germline): Pathogenic (1 of 4 stars; one submission).

Conditions:
Niemann-Pick disease, type C1. Also called: NEUROVISCERAL STORAGE DISEASE WITH VERTICAL SUPRANUCLEAR OPHTHALMOPLEGIA; NIEMANN-PICK DISEASE WITH CHOLESTEROL ESTERIFICATION BLOCK; NIEMANN-PICK DISEASE WITHOUT SPHINGOMYELINASE DEFICIENCY; NIEMANN-PICK DISEASE, CHRONIC NEURONOPATHIC FORM; NIEMANN-PICK DISEASE, VARIANT TYPE C1. Identifiers: Orphanet 646, MedGen C3179455, MONDO:0009757, OMIM 257220.

Submission:

Labcorp Genetics (formerly Invitae), Labcorp
Classification: Pathogenic for Niemann-Pick disease, type C1. Last evaluated: 2020-08-20. Review status: criteria provided, single submitter. Criteria: Invitae Variant Classification Sherloc (09022015). Collection method: clinical testing. Allele origin: germline.
Comment: This sequence change creates a premature translational stop signal (p.Trp942Glyfs*9) in the NPC1 gene. It is expected to result in an absent or disrupted protein product. This variant is not present in population databases (ExAC no frequency). This variant has not been reported in the literature in individuals with NPC1-related conditions. Loss-of-function variants in NPC1 are known to be pathogenic (PMID: 9211850). For these reasons, this variant has been classified as Pathogenic.

Literature cited by the submitters: PubMed 9211850.

NM_000271.5(NPC1):c.2823del (p.Trp942fs)

Gene: NPC1 (NPC intracellular cholesterol transporter 1; minus strand). Cytogenetic location: 18q11.2.
Variant type: Deletion.
Coding change: c.2823del on transcript NM_000271.5 (MANE Select); coding-DNA position 2823, one base deleted (C; older notation c.2823delC).
Protein change: p.Trp942fs; shifts the reading frame from tryptophan 942.
Molecular consequence: frameshift variant.
Genome position (GRCh38, 1-based): chr18:23,539,443, G deleted on the plus strand (C on the coding strand, the reverse complement: NPC1 is on the minus strand); the first of 2 consecutive G bases (chr18:23,539,443-23,539,444); deleting either gives the same sequence. VCF-style (leftmost placement, unchanged base first): chr18-23539442-AG-A. GRCh37 (hg19) VCF-style: chr18-21119406-AG-A.
Other names: short protein forms W942fs.
Identifiers: ClinVar variation 1074756 (VCV001074756.7), dbSNP rs2145370732, ClinGen allele CA2499225061.